The following is an entry in ClinVar:

NM_016327.3(UPB1):c.97del (p.Glu33fs)

Gene: UPB1 (beta-ureidopropionase 1; plus strand). Cytogenetic location: 22q11.23.
Variant type: Deletion.
Coding change: c.97del on transcript NM_016327.3 (MANE Select); coding-DNA position 97, one base deleted (G; older notation c.97delG).
Protein change: p.Glu33fs; shifts the reading frame from glutamic acid 33.
Molecular consequence: frameshift variant.
Genome position (GRCh38, 1-based): chr22:24,495,500, G deleted; the last of 2 consecutive G bases (chr22:24,495,499-24,495,500); deleting either gives the same sequence. VCF-style (leftmost placement, unchanged base first): chr22-24495498-AG-A. GRCh37 (hg19) VCF-style: chr22-24891466-AG-A.
Other names: short protein forms E33fs.
Identifiers: ClinVar variation 2106961 (VCV002106961.4), dbSNP rs2517955128, ClinGen allele CA2580099272.

ClinVar aggregate classification (germline): Pathogenic (1 of 4 stars; one submission).

Submission:

Labcorp Genetics (formerly Invitae), Labcorp
Classification: Pathogenic. Last evaluated: 2024-12-09. Review status: criteria provided, single submitter. Criteria: Invitae Variant Classification Sherloc (09022015). Collection method: clinical testing. Allele origin: germline.
Comment: This sequence change creates a premature translational stop signal (p.Glu33Asnfs*34) in the UPB1 gene. It is expected to result in an absent or disrupted protein product. Loss-of-function variants in UPB1 are known to be pathogenic (PMID: 15385443, 22525402). This variant is not present in population databases (gnomAD no frequency). This variant has not been reported in the literature in individuals affected with UPB1-related conditions. ClinVar contains an entry for this variant (Variation ID: 2106961). For these reasons, this variant has been classified as Pathogenic.

Literature cited by the submitters: PubMed 15385443; PubMed 22525402.